The following is an entry in ClinVar:

NM_000252.3(MTM1):c.535C>A (p.Pro179Thr)

Gene: MTM1 (myotubularin 1; plus strand). Cytogenetic location: Xq28.
Variant type: single nucleotide variant.
Coding change: c.535C>A on transcript NM_000252.3 (MANE Select); coding-DNA position 535, C replaced by A.
Protein change: p.Pro179Thr; replaces proline 179 with threonine.
Molecular consequence: missense variant.
Genome position (GRCh38, 1-based): chrX:150,641,275, C>A. VCF-style: chrX-150641275-C-A. GRCh37 (hg19) VCF-style: chrX-149809748-C-A.
Other names: c.535C>A, p.Pro179Thr (NM_001376906.1, NM_001376908.1); c.424C>A, p.Pro142Thr (NM_001376907.1); short protein forms P142T, P179T.
Identifiers: ClinVar variation 1027300 (VCV001027300.11), dbSNP rs587783832, ClinGen allele CA415255940.

ClinVar aggregate classification (germline): Uncertain significance (1 of 4 stars; one submission).

Conditions:
Severe X-linked myotubular myopathy (CNMX). Also called: MYOTUBULAR MYOPATHY 1; Myotubular myopathy, X-linked; X-linked centronuclear myopathy. Identifiers: Orphanet 596, MedGen C0410203, MONDO:0010683, OMIM 310400.

Submission:

Labcorp Genetics (formerly Invitae), Labcorp
Classification: Uncertain significance for Severe X-linked myotubular myopathy. Last evaluated: 2022-06-20. Review status: criteria provided, single submitter. Criteria: Invitae Variant Classification Sherloc (09022015). Collection method: clinical testing. Allele origin: germline.
Comment: This sequence change replaces proline, which is neutral and non-polar, with threonine, which is neutral and polar, at codon 179 of the MTM1 protein (p.Pro179Thr). This variant is not present in population databases (gnomAD no frequency). This missense change has been observed in individual(s) with clinical features of centronuclear myopathy (Invitae). ClinVar contains an entry for this variant (Variation ID: 1027300). Advanced modeling of protein sequence and biophysical properties (such as structural, functional, and spatial information, amino acid conservation, physicochemical variation, residue mobility, and thermodynamic stability) performed at Invitae indicates that this missense variant is expected to disrupt MTM1 protein function. This variant disrupts the p.Pro179 amino acid residue in MTM1. Other variant(s) that disrupt this residue have been observed in individuals with MTM1-related conditions (PMID: 10502779), which suggests that this may be a clinically significant amino acid residue. In summary, the available evidence is currently insufficient to determine the role of this variant in disease. Therefore, it has been classified as a Variant of Uncertain Significance.

Literature cited by the submitters: PubMed 10502779.